The following is an entry in ClinVar:

NM_001283009.2(RTEL1):c.2345C>T (p.Pro782Leu)

Genes: RTEL1 (regulator of telomere elongation helicase 1; plus strand), RTEL1-TNFRSF6B (RTEL1-TNFRSF6B readthrough (NMD candidate); plus strand). Cytogenetic location: 20q13.33.
Variant type: single nucleotide variant.
Coding change: c.2345C>T on transcript NM_001283009.2 (MANE Select); coding-DNA position 2345, C replaced by T.
Protein change: p.Pro782Leu; replaces proline 782 with leucine.
Molecular consequence: missense variant. On other transcripts: non-coding transcript variant (1).
Genome position (GRCh38, 1-based): chr20:63,690,373, C>T. VCF-style: chr20-63690373-C-T. GRCh37 (hg19) VCF-style: chr20-62321726-C-T.
Other names: c.1676C>T, p.Pro559Leu (NM_001283010.1); c.2345C>T, p.Pro782Leu (NM_016434.4); c.2417C>T, p.Pro806Leu (NM_032957.5); short protein forms P806L, P559L, P782L.
Identifiers: ClinVar variation 1396514 (VCV001396514.8), dbSNP rs764157833, ClinGen allele CA409681016.
Genomic context (GRCh38, chr20:63,690,373, plus strand): 5'-GGGCTACAGCACCCAGTGTGCGTGGAGAAGATGCTGTCAGCGAGGCCAAGTCGCCTGGCC[C>T]CTTCTTCTCCACCAGGAAAGCTAAGAGTCTGGACCTGCATGTCCCCAGCCTGAAGCAGAG-3'
Protein context (NP_001269938.1, residues 772-792): DAVSEAKSPG[Pro782Leu]FFSTRKAKSL

ClinVar aggregate classification (germline): Uncertain significance (1 of 4 stars; one submission).

Conditions:
Pulmonary fibrosis and/or bone marrow failure, Telomere-related, 3. Also called: PULMONARY FIBROSIS AND/OR BONE MARROW FAILURE SYNDROME, TELOMERE-RELATED, 3. Identifiers: Orphanet 2032, MedGen C4225346, MONDO:0014613, OMIM 616373.
Dyskeratosis congenita, autosomal recessive 5 (DKCB5). Identifiers: MedGen C3554656, MONDO:0014076, OMIM 615190.

Allele frequency attached by ClinVar (database versions not stated): gnomAD exomes below 0.00001.
gnomAD v4.1: 2 of 1,611,744 alleles (0.00012%); highest among the groups gnomAD compares: South Asian, 0.0022%; no homozygotes.

Submission:

Labcorp Genetics (formerly Invitae), Labcorp
Classification: Uncertain significance for Dyskeratosis congenita, autosomal recessive 5; Pulmonary fibrosis and/or bone marrow failure, Telomere-related, 3. Last evaluated: 2021-05-13. Review status: criteria provided, single submitter. Criteria: Invitae Variant Classification Sherloc (09022015). Collection method: clinical testing. Allele origin: germline.
Comment: This variant is not present in population databases (ExAC no frequency). This variant has not been reported in the literature in individuals with RTEL1-related conditions. Algorithms developed to predict the effect of missense changes on protein structure and function output the following: SIFT: "Tolerated"; PolyPhen-2: "Benign"; Align-GVGD: "Class C0". The leucine amino acid residue is found in multiple mammalian species, suggesting that this missense change does not adversely affect protein function. These predictions have not been confirmed by published functional studies and their clinical significance is uncertain. In summary, the available evidence is currently insufficient to determine the role of this variant in disease. Therefore, it has been classified as a Variant of Uncertain Significance. This sequence change replaces proline with leucine at codon 782 of the RTEL1 protein (p.Pro782Leu). The proline residue is weakly conserved and there is a moderate physicochemical difference between proline and leucine.